The following is an entry in ClinVar:

ClinVar aggregate classification (germline): Likely pathogenic (1 of 4 stars; one submission).

Conditions:
DSPP-related disorder. Also called: DSPP-related condition.

Submission:

PreventionGenetics, part of Exact Sciences
Classification: Likely pathogenic for DSPP-related condition. Last evaluated: 2023-08-11. Review status: criteria provided, single submitter. Criteria: ACMG Guidelines, 2015. Collection method: clinical testing. Allele origin: germline.
Comment: The DSPP c.1717delG variant is predicted to result in a frameshift and premature protein termination (p.Asp573Ilefs*741). To our knowledge, this variant has not been reported in the literature or in a large population database, indicating this variant is rare. Frameshift variants in DSPP are expected to be pathogenic. This variant is interpreted as likely pathogenic.

NM_014208.3(DSPP):c.1717del (p.Asp573fs)

Genes: DMP1-AS1 (DMP1 and DSPP antisense RNA 1; minus strand), DSPP (dentin sialophosphoprotein; plus strand). Cytogenetic location: 4q22.1.
Variant type: Deletion.
Coding change: c.1717del on transcript NM_014208.3 (MANE Select); coding-DNA position 1717, one base deleted (G; older notation c.1717delG).
Protein change: p.Asp573fs; shifts the reading frame from aspartic acid 573.
Molecular consequence: frameshift variant.
Genome position (GRCh38, 1-based): chr4:87,614,379, G deleted. VCF-style (leftmost placement, unchanged base first): chr4-87614378-TG-T. GRCh37 (hg19) VCF-style: chr4-88535530-TG-T.
Other names: c.1717delG (NM_014208.3); short protein forms D573fs.
Identifiers: ClinVar variation 2631011 (VCV002631011.1), dbSNP rs2475883449, ClinGen allele CA2695199389.
Genomic context (GRCh38, chr4:87,614,378, plus strand): 5'-TGATAGTAGTGATAGCAGCAATAGCAGTGATAGTAGTGACAGCAGTGACAGTGACAGCAG[TG>T]ATAGCAACAGTAGCAGTGATAGTGACAGCAGTGACAGTGACAGCAGTGATAGCAGTGACA-3'